The following is an entry in ClinVar:

NM_001282717.2(STAG3):c.1077C>T (p.Val359=)

Gene: STAG3 (STAG3 cohesin complex component; plus strand). Cytogenetic location: 7q22.1.
Variant type: single nucleotide variant.
Coding change: c.1077C>T on transcript NM_001282717.2 (MANE Select); coding-DNA position 1077, C replaced by T.
Protein change: p.Val359=; no amino-acid change (valine 359 retained).
Molecular consequence: synonymous variant.
Genome position (GRCh38, 1-based): chr7:100,197,789, C>T. VCF-style: chr7-100197789-C-T. GRCh37 (hg19) VCF-style: chr7-99795412-C-T.
Other names: c.1077C>T, p.Val359= (NM_001282716.1, NM_001375438.1, NM_012447.4); c.903C>T, p.Val301= (NM_001282718.2).
Identifiers: ClinVar variation 4873206 (VCV004873206.2).
Genomic context (GRCh38, chr7:100,197,789, plus strand): 5'-GAGTGTGGTTAGTCTTATTTCCATTCTCCTGGTTTTCCCTCCTCACCAGCACCGAGAAGT[C>T]CGCCTGAAGTGTGTGAAGGCCCTGAAAGGGCTGTACGGTAACCGGGACCTGACCACACGC-3'
Protein context (NP_001269646.1, residues 349-369): GWTLHDKHRE[Val359=]RLKCVKALKG

ClinVar aggregate classification (germline): Likely benign (1 of 4 stars; one submission).

Submission:

CeGaT Center for Human Genetics Tuebingen
Classification: Likely benign. Last evaluated: 2026-04-01. Review status: criteria provided, single submitter. Criteria: CeGaT Center For Human Genetics Tuebingen Variant Classification Criteria Version 2. Collection method: clinical testing. Allele origin: germline. Affected: yes. Observed: 1 variant allele.
Comment: STAG3: PM2:Supporting, BP4, BP7